The following is an entry in ClinVar:

ClinVar aggregate classification (germline): Uncertain significance (1 of 4 stars; one submission).

Conditions:
Hereditary cancer-predisposing syndrome. Also called: Neoplastic Syndromes, Hereditary; Tumor predisposition; Hereditary Cancer Syndrome; Hereditary neoplastic syndrome. Identifiers: Orphanet 140162, MedGen C0027672, MeSH D009386, MONDO:0015356.

Submission:

Ambry Genetics
Classification: Uncertain significance for Hereditary cancer-predisposing syndrome. Last evaluated: 2025-07-25. Review status: criteria provided, single submitter. Criteria: Ambry Variant Classification Scheme 2023. Collection method: clinical testing. Allele origin: germline.
Comment: The p.T55A variant (also known as c.163A>G), located in coding exon 1 of the SUFU gene, results from an A to G substitution at nucleotide position 163. The threonine at codon 55 is replaced by alanine, an amino acid with similar properties. This amino acid position is conserved. In addition, the in silico prediction for this alteration is inconclusive. Based on the available evidence, the clinical significance of this variant remains unclear.

NM_016169.4(SUFU):c.163A>G (p.Thr55Ala)

Gene: SUFU (SUFU negative regulator of hedgehog signaling; plus strand). Cytogenetic location: 10q24.32.
Variant type: single nucleotide variant.
Coding change: c.163A>G on transcript NM_016169.4 (MANE Select); coding-DNA position 163, A replaced by G.
Protein change: p.Thr55Ala; replaces threonine 55 with alanine.
Molecular consequence: missense variant.
Genome position (GRCh38, 1-based): chr10:102,504,315, A>G. VCF-style: chr10-102504315-A-G. GRCh37 (hg19) VCF-style: chr10-104264072-A-G.
Other names: c.163A>G, p.Thr55Ala (NM_001178133.2); short protein forms T55A.
Identifiers: ClinVar variation 4177543 (VCV004177543.1).
Genomic context (GRCh38, chr10:102,504,315, plus strand): 5'-CACGCCATCTACGGAGAGTGCCGCCGCCTTTACCCTGACCAGCCGAACCCGCTCCAGGTT[A>G]CCGCTATCGTCAAGTACTGGTATGCTCTGGGCCGCGGGGAGACGGACAGGCGCGGGCTGG-3'
Protein context (NP_057253.2, residues 45-65): YPDQPNPLQV[Thr55Ala]AIVKYWLGGP